The following is an entry in ClinVar:

ClinVar aggregate classification (germline): Uncertain significance (1 of 4 stars; one submission).

Submission:

GeneDx
Classification: Uncertain significance. Last evaluated: 2022-11-25. Review status: criteria provided, single submitter. Criteria: GeneDx Variant Classification Process June 2021. Collection method: clinical testing. Allele origin: germline. Affected: yes.
Comment: Not observed at significant frequency in large population cohorts (gnomAD); In silico analysis supports that this missense variant has a deleterious effect on protein structure/function; Has not been previously published as pathogenic or benign to our knowledge

NM_001853.4(COL9A3):c.338G>A (p.Gly113Glu)

Gene: COL9A3 (collagen type IX alpha 3 chain; plus strand). Cytogenetic location: 20q13.33.
Variant type: single nucleotide variant.
Coding change: c.338G>A on transcript NM_001853.4 (MANE Select); coding-DNA position 338, G replaced by A.
Protein change: p.Gly113Glu; replaces glycine 113 with glutamic acid.
Molecular consequence: missense variant.
Genome position (GRCh38, 1-based): chr20:62,821,209, G>A. VCF-style: chr20-62821209-G-A. GRCh37 (hg19) VCF-style: chr20-61452561-G-A.
Other names: short protein forms G113E.
Identifiers: ClinVar variation 2503396 (VCV002503396.1), dbSNP rs2516028141, ClinGen allele CA409588084.